The following is an entry in ClinVar:

NM_001605.3(AARS1):c.503C>T (p.Pro168Leu)

Gene: AARS1 (alanyl-tRNA synthetase 1; minus strand). Cytogenetic location: 16q22.1.
Variant type: single nucleotide variant.
Coding change: c.503C>T on transcript NM_001605.3 (MANE Select); coding-DNA position 503, C replaced by T.
Protein change: p.Pro168Leu; replaces proline 168 with leucine.
Molecular consequence: missense variant.
Genome position (GRCh38, 1-based): chr16:70,271,949, G>A on the plus strand (C>T on the coding strand, the complement: AARS1 is on the minus strand). VCF-style: chr16-70271949-G-A. GRCh37 (hg19) VCF-style: chr16-70305852-G-A.
Other names: short protein forms P168L.
Identifiers: ClinVar variation 810835 (VCV000810835.10), dbSNP rs763378637, ClinGen allele CA8141113.

ClinVar aggregate classification (germline): Uncertain significance. Review status: criteria provided, multiple submitters, no conflicts (2 of 4 stars). 4 submissions from 4 submitters: Uncertain significance (4). Last evaluated 2026-08-17.

Conditions:
AARS1-related disorder. Also called: AARS1-related condition.
Charcot-Marie-Tooth disease. Also called: Charcot-Marie-Tooth Hereditary Neuropathy; Charcot-Marie-Tooth Neuropathy. Identifiers: Orphanet 166, MedGen C0007959, MONDO:0015626.
Charcot-Marie-Tooth disease type 2. Also called: Charcot-Marie-Tooth type 2. Identifiers: Orphanet 64746, MedGen C0270914, MONDO:0018993.

Allele frequency attached by ClinVar (database versions not stated): gnomAD exomes 0.00001 and 0.00002; ExAC 0.00002; gnomAD 0.00003; TOPMed 0.00003.

Submissions (4):

PreventionGenetics, part of Exact Sciences
Classification: Uncertain significance for AARS1-related condition. Last evaluated: 2026-08-17. Review status: criteria provided, single submitter. Criteria: ACMG Guidelines, 2015. Collection method: clinical testing. Allele origin: germline.
Comment: The AARS1 c.503C>T variant is predicted to result in the amino acid substitution p.Pro168Leu. This variant was reported in a heterozygous state in two individuals, one with peripheral neuropathy (Laššuthová et al. 2016. PubMed ID: 27549087) as well as in an individual with Charcot-Marie-Tooth (Volodarsky et al. 2020. PubMed ID: 32376792). This variant is reported in 0.0040% of alleles in individuals of African descent in gnomAD. At this time, the clinical significance of this variant is uncertain due to the absence of conclusive functional and genetic evidence.

Labcorp Genetics (formerly Invitae), Labcorp
Classification: Uncertain significance for Charcot-Marie-Tooth disease type 2. Last evaluated: 2025-10-28. Review status: criteria provided, single submitter. Criteria: Invitae Variant Classification Sherloc (09022015). Collection method: clinical testing. Allele origin: germline.
Comment: This sequence change replaces proline, which is neutral and non-polar, with leucine, which is neutral and non-polar, at codon 168 of the AARS protein (p.Pro168Leu). This variant is present in population databases (rs763378637, gnomAD 0.004%). This missense change has been observed in individual(s) with clinical features of AARS-related conditions (PMID: 27549087, 32376792). ClinVar contains an entry for this variant (Variation ID: 810835). Invitae Evidence Modeling of protein sequence and biophysical properties (such as structural, functional, and spatial information, amino acid conservation, physicochemical variation, residue mobility, and thermodynamic stability) has been performed for this missense variant. However, the output from this modeling did not meet the statistical confidence thresholds required to predict the impact of this variant on AARS protein function. In summary, the available evidence is currently insufficient to determine the role of this variant in disease. Therefore, it has been classified as a Variant of Uncertain Significance.

Blueprint Genetics
Classification: Uncertain significance. Last evaluated: 2023-12-15. Review status: criteria provided, single submitter. Criteria: ACMG Guidelines, 2015. Collection method: clinical testing. Allele origin: germline.

Molecular Genetics Laboratory, London Health Sciences Centre
Classification: Uncertain significance for Charcot-Marie-Tooth disease. Review status: criteria provided, single submitter. Criteria: ACMG Guidelines, 2015. Collection method: clinical testing. Allele origin: germline. Affected: yes.

Literature cited by the submitters: PubMed 27549087 (cited by Labcorp Genetics (formerly Invitae), Labcorp); PubMed 32376792 (cited by Labcorp Genetics (formerly Invitae), Labcorp).